The following is an entry in ClinVar:

NM_032250.5(ANKRD20A1):c.519T>C (p.Ala173=)

Gene: ANKRD20A1 (ankyrin repeat domain 20 family member A1; plus strand). Cytogenetic location: 9q21.11.
Variant type: single nucleotide variant.
Coding change: c.519T>C on transcript NM_032250.5 (MANE Select); coding-DNA position 519, T replaced by C.
Protein change: p.Ala173=; no amino-acid change (alanine 173 retained).
Molecular consequence: synonymous variant.
Genome position (GRCh38, 1-based): chr9:67,867,303, T>C. VCF-style: chr9-67867303-T-C. GRCh37 (hg19) VCF-style: chr9-67934749-T-C.
Identifiers: ClinVar variation 2659227 (VCV002659227.24), dbSNP rs200133066, ClinGen allele CA5069515.

ClinVar aggregate classification (germline): Likely benign (1 of 4 stars; one submission).

Allele frequency attached by ClinVar (database versions not stated): gnomAD 0.00001; ExAC 0.00270.

Submission:

CeGaT Center for Human Genetics Tuebingen
Classification: Likely benign. Last evaluated: 2023-08-01. Review status: criteria provided, single submitter. Criteria: CeGaT Center For Human Genetics Tuebingen Variant Classification Criteria Version 2. Collection method: clinical testing. Allele origin: germline. Affected: yes. Observed: 2 variant alleles.
Comment: ANKRD20A1: BP4, BP7